The following is an entry in ClinVar:

NM_005751.5(AKAP9):c.8149G>C (p.Glu2717Gln)

Gene: AKAP9 (A-kinase anchoring protein 9; plus strand). Cytogenetic location: 7q21.2.
Variant type: single nucleotide variant.
Coding change: c.8149G>C on transcript NM_005751.5 (MANE Select); coding-DNA position 8149, G replaced by C.
Protein change: p.Glu2717Gln; replaces glutamic acid 2717 with glutamine.
Molecular consequence: missense variant.
Genome position (GRCh38, 1-based): chr7:92,082,651, G>C. VCF-style: chr7-92082651-G-C. GRCh37 (hg19) VCF-style: chr7-91711965-G-C.
Other names: c.2794G>C, p.Glu932Gln (NM_001379277.1); c.8125G>C, p.Glu2709Gln (NM_147185.3); short protein forms E2717Q, E932Q, E2709Q.
Identifiers: ClinVar variation 1762178 (VCV001762178.7), dbSNP rs766108106, ClinGen allele CA4337421.

ClinVar aggregate classification (germline): Conflicting classifications of pathogenicity. Review status: criteria provided, conflicting classifications (1 of 4 stars). 2 submissions from 2 submitters: Uncertain significance (1); Likely benign (1). Last evaluated 2024-04-25.

Conditions:
Long QT syndrome (LQTS). Identifiers: MedGen C0023976, MeSH D008133, MONDO:0002442. Disease mechanism: loss of function. Inheritance: Various modes of inheritance.
Cardiovascular phenotype. Identifiers: MedGen CN230736.

Allele frequency attached by ClinVar (database versions not stated): ExAC 0.00002; gnomAD exomes 0.00003; TOPMed 0.00003; gnomAD 0.00004.
gnomAD v4.1: 51 of 1,613,792 alleles (0.0032%); highest among the groups gnomAD compares: Non-Finnish European, 0.0041%; no homozygotes.

Submissions (2):

Labcorp Genetics (formerly Invitae), Labcorp
Classification: Uncertain significance for Long QT syndrome. Last evaluated: 2024-04-25. Review status: criteria provided, single submitter. Criteria: Invitae Variant Classification Sherloc (09022015). Collection method: clinical testing. Allele origin: germline.
Comment: This sequence change replaces glutamic acid, which is acidic and polar, with glutamine, which is neutral and polar, at codon 2717 of the AKAP9 protein (p.Glu2717Gln). This variant is present in population databases (rs766108106, gnomAD 0.02%). This variant has not been reported in the literature in individuals affected with AKAP9-related conditions. ClinVar contains an entry for this variant (Variation ID: 1762178). Algorithms developed to predict the effect of missense changes on protein structure and function output the following: SIFT: "Not Available"; PolyPhen-2: "Benign"; Align-GVGD: "Not Available". The glutamine amino acid residue is found in multiple mammalian species, which suggests that this missense change does not adversely affect protein function. In summary, the available evidence is currently insufficient to determine the role of this variant in disease. Therefore, it has been classified as a Variant of Uncertain Significance.

Ambry Genetics
Classification: Likely benign for Cardiovascular phenotype. Last evaluated: 2023-10-17. Review status: criteria provided, single submitter. Criteria: Ambry Variant Classification Scheme 2023. Collection method: clinical testing. Allele origin: germline.